The following is an entry in ClinVar:

ClinVar aggregate classification (germline): Uncertain significance (1 of 4 stars; one submission).

Allele frequency attached by ClinVar (database versions not stated): TOPMed below 0.00001; gnomAD 0.00001.
gnomAD v4.1: 6 of 1,612,516 alleles (0.00037%); highest among the groups gnomAD compares: Admixed American, 0.0084%; no homozygotes.

Submission:

Labcorp Genetics (formerly Invitae), Labcorp
Classification: Uncertain significance. Last evaluated: 2026-01-19. Review status: criteria provided, single submitter. Criteria: Invitae Variant Classification Sherloc (09022015). Collection method: clinical testing. Allele origin: germline.
Comment: This sequence change replaces leucine, which is neutral and non-polar, with phenylalanine, which is neutral and non-polar, at codon 2199 of the HERC1 protein (p.Leu2199Phe). This variant is present in population databases (no rsID available, gnomAD 0.006%). This variant has not been reported in the literature in individuals affected with HERC1-related conditions. ClinVar contains an entry for this variant (Variation ID: 1944256). Invitae Evidence Modeling of protein sequence and biophysical properties (such as structural, functional, and spatial information, amino acid conservation, physicochemical variation, residue mobility, and thermodynamic stability) has been performed for this missense variant. However, the output from this modeling did not meet the statistical confidence thresholds required to predict the impact of this variant on HERC1 protein function. In summary, the available evidence is currently insufficient to determine the role of this variant in disease. Therefore, it has been classified as a Variant of Uncertain Significance.

NM_003922.4(HERC1):c.6595C>T (p.Leu2199Phe)

Gene: HERC1 (HECT and RLD domain containing E3 ubiquitin protein ligase family member 1; minus strand). Cytogenetic location: 15q22.31.
Variant type: single nucleotide variant.
Coding change: c.6595C>T on transcript NM_003922.4 (MANE Select); coding-DNA position 6595, C replaced by T.
Protein change: p.Leu2199Phe; replaces leucine 2199 with phenylalanine.
Molecular consequence: missense variant.
Genome position (GRCh38, 1-based): chr15:63,678,320, G>A on the plus strand (C>T on the coding strand, the complement: HERC1 is on the minus strand). VCF-style: chr15-63678320-G-A. GRCh37 (hg19) VCF-style: chr15-63970519-G-A.
Other names: short protein forms L2199F.
Identifiers: ClinVar variation 1944256 (VCV001944256.3), dbSNP rs1341663540, ClinGen allele CA392739718.